The following is an entry in ClinVar:

ClinVar aggregate classification (germline): Uncertain significance (1 of 4 stars; one submission).

Conditions:
Osteogenesis imperfecta type III (OI3). Also called: Osteogenesis imperfecta type 3; OI type 3; Osteogenesis imperfecta, progressively deforming with normal sclerae; OI type III; Progressively Deforming Osteogenesis Imperfecta. Identifiers: Orphanet 216812, Orphanet 666, MedGen C0268362, MONDO:0009804, OMIM 259420.

Submission:

3billion
Classification: Uncertain significance for Osteogenesis imperfecta type III. Last evaluated: 2022-01-03. Review status: criteria provided, single submitter. Criteria: ACMG Guidelines, 2015. Collection method: clinical testing. Allele origin: germline. Affected: yes. Observed: 1 heterozygote.
Comment: This inframe deletion in the non-repeat region can change the length of the protein and disrupt protein function (PM4_M). It is not observed in the gnomAD v2.1.1 dataset (PM2_M). Therefore, this variant is classified as uncertain significance according to the recommendation of ACMG/AMP guideline.

NM_000089.4(COL1A2):c.3162_3224del (p.Pro1058_Gly1078del)

Gene: COL1A2 (collagen type I alpha 2 chain; plus strand). Cytogenetic location: 7q21.3.
Variant type: Deletion.
Coding change: c.3162_3224del on transcript NM_000089.4 (MANE Select); coding-DNA positions 3162 to 3224, 63 bases deleted.
Protein change: p.Pro1058_Gly1078del.
Molecular consequence: inframe deletion.
Genome position (GRCh38, 1-based): chr7:94,427,190-94,427,252, 63 bases deleted. GRCh37 (hg19): chr7:94,056,502-94,056,564.
Identifiers: ClinVar variation 1333647 (VCV001333647.1), dbSNP rs2115957705, ClinGen allele CA2573052948.